The following is an entry in ClinVar:

ClinVar aggregate classification (germline): Pathogenic (1 of 4 stars; one submission).

Conditions:
Niemann-Pick disease, type C1. Also called: NEUROVISCERAL STORAGE DISEASE WITH VERTICAL SUPRANUCLEAR OPHTHALMOPLEGIA; NIEMANN-PICK DISEASE WITH CHOLESTEROL ESTERIFICATION BLOCK; NIEMANN-PICK DISEASE WITHOUT SPHINGOMYELINASE DEFICIENCY; NIEMANN-PICK DISEASE, CHRONIC NEURONOPATHIC FORM; NIEMANN-PICK DISEASE, VARIANT TYPE C1. Identifiers: Orphanet 646, MedGen C3179455, MONDO:0009757, OMIM 257220.

Submission:

Myriad Genetics, Inc.
Classification: Pathogenic for Niemann-Pick disease, type C1. Last evaluated: 2023-08-09. Review status: criteria provided, single submitter. Criteria: Myriad Autosomal Dominant, Autosomal Recessive and X-Linked Classification Criteria (2023). Collection method: clinical testing. Allele origin: unknown.
Comment: NM_000271.4(NPC1):c.1260C>A(Y420*) is expected to be pathogenic in the context of Niemann-Pick disease type C1. This variant is predicted to lead to an abnormal or absent protein product due to the creation of a premature termination codon in NPC1, a gene where loss-of-function variants are known to be pathogenic. Please note: this variant was assessed in the context of healthy population screening.

NM_000271.5(NPC1):c.1260C>A (p.Tyr420Ter)

Gene: NPC1 (NPC intracellular cholesterol transporter 1; minus strand). Cytogenetic location: 18q11.2.
Variant type: single nucleotide variant.
Coding change: c.1260C>A on transcript NM_000271.5 (MANE Select); coding-DNA position 1260, C replaced by A.
Protein change: p.Tyr420Ter; replaces tyrosine 420 with a stop codon.
Molecular consequence: nonsense.
Genome position (GRCh38, 1-based): chr18:23,556,309, G>T on the plus strand (C>A on the coding strand, the complement: NPC1 is on the minus strand). VCF-style: chr18-23556309-G-T. GRCh37 (hg19) VCF-style: chr18-21136273-G-T.
Other names: short protein forms Y420*.
Identifiers: ClinVar variation 5011293 (VCV005011293.1).